The following is an entry in ClinVar:

NM_017802.4(DNAAF5):c.1295G>C (p.Ser432Thr)

Gene: DNAAF5 (dynein axonemal assembly factor 5; plus strand). Cytogenetic location: 7p22.3.
Variant type: single nucleotide variant.
Coding change: c.1295G>C on transcript NM_017802.4 (MANE Select); coding-DNA position 1295, G replaced by C.
Protein change: p.Ser432Thr; replaces serine 432 with threonine.
Molecular consequence: missense variant. On other transcripts: non-coding transcript variant (1).
Genome position (GRCh38, 1-based): chr7:756,819, G>C. VCF-style: chr7-756819-G-C. GRCh37 (hg19) VCF-style: chr7-796456-G-C.
Other names: short protein forms S432T.
Identifiers: ClinVar variation 4742396 (VCV004742396.1).

ClinVar aggregate classification (germline): Uncertain significance (1 of 4 stars; one submission).

Conditions:
Primary ciliary dyskinesia. Also called: Ciliary dyskinesia. Identifiers: Orphanet 244, MedGen C0008780, MONDO:0016575, HP:0012265.

Submission:

Labcorp Genetics (formerly Invitae), Labcorp
Classification: Uncertain significance for Primary ciliary dyskinesia. Last evaluated: 2025-10-13. Review status: criteria provided, single submitter. Criteria: Invitae Variant Classification Sherloc (09022015). Collection method: clinical testing. Allele origin: germline.
Comment: This sequence change replaces serine, which is neutral and polar, with threonine, which is neutral and polar, at codon 432 of the DNAAF5 protein (p.Ser432Thr). This variant is not present in population databases (gnomAD no frequency). This variant has not been reported in the literature in individuals affected with DNAAF5-related conditions. Invitae Evidence Modeling of protein sequence and biophysical properties (such as structural, functional, and spatial information, amino acid conservation, physicochemical variation, residue mobility, and thermodynamic stability) indicates that this missense variant is not expected to disrupt DNAAF5 protein function with a negative predictive value of 80%. In summary, the available evidence is currently insufficient to determine the role of this variant in disease. Therefore, it has been classified as a Variant of Uncertain Significance.